The following is an entry in ClinVar:

NM_001466.4(FZD2):c.425C>T (p.Pro142Leu)

Gene: FZD2 (frizzled class receptor 2; plus strand). Cytogenetic location: 17q21.31.
Variant type: single nucleotide variant.
Coding change: c.425C>T on transcript NM_001466.4 (MANE Select); coding-DNA position 425, C replaced by T.
Protein change: p.Pro142Leu; replaces proline 142 with leucine.
Molecular consequence: missense variant.
Genome position (GRCh38, 1-based): chr17:44,558,113, C>T. VCF-style: chr17-44558113-C-T. GRCh37 (hg19) VCF-style: chr17-42635481-C-T.
Other names: short protein forms P142L.
Identifiers: ClinVar variation 4710390 (VCV004710390.1).

ClinVar aggregate classification (germline): Uncertain significance (1 of 4 stars; one submission).

Submission:

Labcorp Genetics (formerly Invitae), Labcorp
Classification: Uncertain significance. Last evaluated: 2025-11-06. Review status: criteria provided, single submitter. Criteria: Invitae Variant Classification Sherloc (09022015). Collection method: clinical testing. Allele origin: germline.
Comment: This sequence change replaces proline, which is neutral and non-polar, with leucine, which is neutral and non-polar, at codon 142 of the FZD2 protein (p.Pro142Leu). The frequency data for this variant in the population databases is considered unreliable, as metrics indicate poor data quality at this position in the gnomAD database. This missense change has been observed in individual(s) with Robinow syndrome (PMID: 29276006). Invitae Evidence Modeling of protein sequence and biophysical properties (such as structural, functional, and spatial information, amino acid conservation, physicochemical variation, residue mobility, and thermodynamic stability) indicates that this missense variant is expected to disrupt FZD2 protein function with a positive predictive value of 80%. Experimental studies have shown that this missense change affects FZD2 function (PMID: 38967226). In summary, the available evidence is currently insufficient to determine the role of this variant in disease. Therefore, it has been classified as a Variant of Uncertain Significance.

Literature cited by the submitters: PubMed 29276006; PubMed 38967226.